The following is an entry in ClinVar:

ClinVar aggregate classification (germline): Pathogenic (1 of 4 stars; one submission).

Submission:

Labcorp Genetics (formerly Invitae), Labcorp
Classification: Pathogenic. Last evaluated: 2022-02-24. Review status: criteria provided, single submitter. Criteria: Invitae Variant Classification Sherloc (09022015). Collection method: clinical testing. Allele origin: germline.
Comment: For these reasons, this variant has been classified as Pathogenic. Algorithms developed to predict the effect of sequence changes on RNA splicing suggest that this variant may disrupt the consensus splice site. This variant has not been reported in the literature in individuals affected with NR2E3-related conditions. This variant is not present in population databases (gnomAD no frequency). This sequence change creates a premature translational stop signal (p.Arg125Cysfs*61) in the NR2E3 gene. It is expected to result in an absent or disrupted protein product. Loss-of-function variants in NR2E3 are known to be pathogenic (PMID: 15459973, 27522502).

Literature cited by the submitters: PubMed 15459973; PubMed 27522502.

NC_000015.10:g.71811958_71811977dup

Gene: NR2E3 (nuclear receptor subfamily 2 group E member 3; plus strand). Cytogenetic location: 15q23.
Variant type: Duplication.
Genome position: GRCh38 VCF-style: chr15-71811950-C-CCCAGCCGTGCAGAACGAGCG. GRCh37 (hg19) VCF-style: chr15-72104290-C-CCCAGCCGTGCAGAACGAGCG.
Identifiers: ClinVar variation 2077159 (VCV002077159.5), ClinGen allele CA2580089929.